The following is an entry in ClinVar:

NM_000051.4(ATM):c.8434T>A (p.Ser2812Thr)

Genes: ATM (ATM serine/threonine kinase; plus strand), C11orf65 (chromosome 11 open reading frame 65; minus strand). Cytogenetic location: 11q22.3.
Variant type: single nucleotide variant.
Coding change: c.8434T>A on transcript NM_000051.4 (MANE Select); coding-DNA position 8434, T replaced by A.
Protein change: p.Ser2812Thr; replaces serine 2812 with threonine.
Molecular consequence: missense variant. On other transcripts: intron variant (2).
Genome position (GRCh38, 1-based): chr11:108,345,758, T>A. VCF-style: chr11-108345758-T-A. GRCh37 (hg19) VCF-style: chr11-108216485-T-A.
Other names: c.8434T>A, p.Ser2812Thr (NM_001351834.2); c.641-36687A>T (NM_001330368.2); c.695-10466A>T (NM_001351110.2); short protein forms S2812T.
Identifiers: ClinVar variation 1721537 (VCV001721537.6), dbSNP rs786202372, ClinGen allele CA382517781.

ClinVar aggregate classification (germline): Uncertain significance (1 of 4 stars; one submission).

Conditions:
Ataxia-telangiectasia syndrome (AT). Also called: Ataxia telangiectasia (A-T); LOUIS-BAR SYNDROME; Cerebello-oculocutaneous telangiectasia; Immunodeficiency with ataxia telangiectasia; Ataxia-telangiectasia, complementation group D; AT, COMPLEMENTATION GROUP C. Identifiers: Orphanet 100, MedGen C0004135, MONDO:0008840, OMIM 208900.

Submission:

Labcorp Genetics (formerly Invitae), Labcorp
Classification: Uncertain significance for Ataxia-telangiectasia syndrome. Last evaluated: 2022-10-14. Review status: criteria provided, single submitter. Criteria: Invitae Variant Classification Sherloc (09022015). Collection method: clinical testing. Allele origin: germline.
Comment: This sequence change replaces serine, which is neutral and polar, with threonine, which is neutral and polar, at codon 2812 of the ATM protein (p.Ser2812Thr). This variant is not present in population databases (gnomAD no frequency). This variant has not been reported in the literature in individuals affected with ATM-related conditions. Algorithms developed to predict the effect of missense changes on protein structure and function (SIFT, PolyPhen-2, Align-GVGD) all suggest that this variant is likely to be tolerated. In summary, the available evidence is currently insufficient to determine the role of this variant in disease. Therefore, it has been classified as a Variant of Uncertain Significance.